The following is an entry in ClinVar:

NM_012452.3(TNFRSF13B):c.467G>A (p.Ser156Asn)

Gene: TNFRSF13B (TNF receptor superfamily member 13B; minus strand). Cytogenetic location: 17p11.2.
Variant type: single nucleotide variant.
Coding change: c.467G>A on transcript NM_012452.3 (MANE Select); coding-DNA position 467, G replaced by A.
Protein change: p.Ser156Asn; replaces serine 156 with asparagine.
Molecular consequence: missense variant.
Genome position (GRCh38, 1-based): chr17:16,940,490, C>T on the plus strand (G>A on the coding strand, the complement: TNFRSF13B is on the minus strand). VCF-style: chr17-16940490-C-T. GRCh37 (hg19) VCF-style: chr17-16843804-C-T.
Other names: short protein forms S156N.
Identifiers: ClinVar variation 1515938 (VCV001515938.6), dbSNP rs772365135, ClinGen allele CA8413973.
Genomic context (GRCh38, chr17:16,940,490, plus strand): 5'-CAGAGGACGGCACACAGGCAGAGCCCCAGCGTGCTGTAGACCAGGGCCACCTGATCTGCA[C>T]TCAGCTTCAGCCCCGGGAGAGCTGCAAGACAGCATGAGACCCCTCTCTGCAGTGCCTTCT-3'
Protein context (NP_036584.1, residues 146-166): ASPALPGLKL[Ser156Asn]ADQVALVYST

ClinVar aggregate classification (germline): Uncertain significance (1 of 4 stars; one submission).

Conditions:
Immunodeficiency, common variable, 2 (CVID2). Also called: ANTIBODY DEFICIENCY DUE TO TACI DEFECT; HYPOGAMMAGLOBULINEMIA DUE TO TACI DEFICIENCY. Identifiers: Orphanet 1572, MedGen C3150354, MONDO:0009413, OMIM 240500.

Allele frequency attached by ClinVar (database versions not stated): gnomAD exomes 0.00002 and below 0.00001; gnomAD 0.00001; TOPMed below 0.00001; ExAC 0.00001.
gnomAD v4.1: 25 of 1,613,658 alleles (0.0015%); highest among the groups gnomAD compares: African/African-American, 0.0027%; no homozygotes.

Submission:

Labcorp Genetics (formerly Invitae), Labcorp
Classification: Uncertain significance for Immunodeficiency, common variable, 2. Last evaluated: 2022-03-24. Review status: criteria provided, single submitter. Criteria: Invitae Variant Classification Sherloc (09022015). Collection method: clinical testing. Allele origin: germline.
Comment: In summary, the available evidence is currently insufficient to determine the role of this variant in disease. Therefore, it has been classified as a Variant of Uncertain Significance. Algorithms developed to predict the effect of missense changes on protein structure and function (SIFT, PolyPhen-2, Align-GVGD) all suggest that this variant is likely to be tolerated. This variant has not been reported in the literature in individuals affected with TNFRSF13B-related conditions. The frequency data for this variant in the population databases is considered unreliable, as metrics indicate poor data quality at this position in the gnomAD database. This sequence change replaces serine, which is neutral and polar, with asparagine, which is neutral and polar, at codon 156 of the TNFRSF13B protein (p.Ser156Asn).